The following is an entry in ClinVar:

ClinVar aggregate classification (germline): Benign/Likely benign. Review status: criteria provided, multiple submitters, no conflicts (2 of 4 stars). 9 submissions from 9 submitters: Benign (7); Likely benign (2). Last evaluated 2026-10-01.

Conditions:
Hereditary spastic paraplegia. Also called: Familial spastic paraparesis. Identifiers: Orphanet 685, MedGen C0037773, MONDO:0019064. Disease mechanism: loss of function.
Hereditary spastic paraplegia 39 (SPG39). Also called: Spastic Paraplegia Type 39 (SPG39); SPASTIC PARAPLEGIA 39, AUTOSOMAL RECESSIVE. Identifiers: Orphanet 139480, MedGen C2677586, MONDO:0012787, OMIM 612020.

Allele frequency attached by ClinVar (database versions not stated): 1000 Genomes Project 30x 0.00484; 1000 Genomes Project 0.00499; TOPMed 0.00891; gnomAD 0.00930; ESP Exome Variant Server 0.01030.
gnomAD v4.1: 20,583 of 1,614,022 alleles (1.3%); highest among the groups gnomAD compares: Non-Finnish European, 1.5%; 155 homozygotes.

Submissions (9):

CeGaT Center for Human Genetics Tuebingen
Classification: Benign. Last evaluated: 2026-10-01. Review status: criteria provided, single submitter. Criteria: CeGaT Center For Human Genetics Tuebingen Variant Classification Criteria Version 2. Collection method: clinical testing. Allele origin: germline. Affected: yes. Observed: 72 variant alleles.
Comment: PNPLA6: BP4, BP7, BS1, BS2

Labcorp Genetics (formerly Invitae), Labcorp
Classification: Benign for Hereditary spastic paraplegia 39. Last evaluated: 2026-02-01. Review status: criteria provided, single submitter. Criteria: Invitae Variant Classification Sherloc (09022015). Collection method: clinical testing. Allele origin: germline.

Blueprint Genetics
Classification: Benign. Last evaluated: 2024-11-27. Review status: criteria provided, single submitter. Criteria: ACMG Guidelines, 2015. Collection method: clinical testing. Allele origin: germline.

Athena Diagnostics
Classification: Benign. Last evaluated: 2024-05-14. Review status: criteria provided, single submitter. Criteria: Athena Diagnostics Criteria. Collection method: clinical testing. Allele origin: unknown.

Genome Diagnostics Laboratory, The Hospital for Sick Children
Classification: Benign for Hereditary spastic paraplegia. Last evaluated: 2021-11-29. Review status: criteria provided, single submitter. Criteria: ACMG Guidelines, 2015. Collection method: clinical testing. Allele origin: germline. Affected: yes.

Mayo Clinic Laboratories, Mayo Clinic
Classification: Benign. Last evaluated: 2021-07-30. Review status: criteria provided, single submitter. Criteria: ACMG Guidelines, 2015. Collection method: clinical testing. Allele origin: germline. Observed: 66 variant alleles.

Illumina Laboratory Services, Illumina
Classification: Likely benign for Hereditary spastic paraplegia 39. Last evaluated: 2018-01-13. Review status: criteria provided, single submitter. Criteria: ICSL Variant Classification Criteria 13 December 2019. Collection method: clinical testing. Allele origin: germline.
Comment: This variant was observed in the ICSL laboratory as part of a predisposition screen in an ostensibly healthy population. It had not been previously curated by ICSL or reported in the Human Gene Mutation Database (HGMD: prior to June 1st, 2018), and was therefore a candidate for classification through an automated scoring system. Utilizing variant allele frequency, disease prevalence and penetrance estimates, and inheritance mode, an automated score was calculated to assess if this variant is too frequent to cause the disease. Based on the score and internal cut-off values, a variant classified as likely benign is not then subjected to further curation. The score for this variant resulted in a classification of likely benign for this disease.

GeneDx
Classification: Benign. Last evaluated: 2016-10-10. Review status: criteria provided, single submitter. Criteria: GeneDx Variant Classification (06012015). Collection method: clinical testing. Allele origin: germline. Affected: yes.
Comment: This variant is considered likely benign or benign based on one or more of the following criteria: it is a conservative change, it occurs at a poorly conserved position in the protein, it is predicted to be benign by multiple in silico algorithms, and/or has population frequency not consistent with disease.

Breakthrough Genomics
Classification: Likely benign. Review status: criteria provided, single submitter. Criteria: ACMG Guidelines, 2015. Collection method: not provided. Allele origin: germline. Inheritance: Autosomal recessive inheritance. Affected: yes.

NM_001166114.2(PNPLA6):c.1704C>G (p.Pro568=)

Gene: PNPLA6 (patatin like domain 6, lysophospholipase; plus strand). Cytogenetic location: 19p13.2.
Variant type: single nucleotide variant.
Coding change: c.1704C>G on transcript NM_001166114.2 (MANE Select); coding-DNA position 1704, C replaced by G.
Protein change: p.Pro568=; no amino-acid change (proline 568 retained).
Molecular consequence: synonymous variant.
Genome position (GRCh38, 1-based): chr19:7,550,002, C>G. VCF-style: chr19-7550002-C-G. GRCh37 (hg19) VCF-style: chr19-7614888-C-G.
Other names: p.Pro529=; c.1731C>G, p.Pro577= (NM_001166111.2); c.1509C>G, p.Pro503= (NM_001166112.2); c.1587C>G, p.Pro529= (NM_001166113.1, NM_006702.5).
Identifiers: ClinVar variation 240692 (VCV000240692.54), dbSNP rs62111288, ClinGen allele CA9139907.
Genomic context (GRCh38, chr19:7,550,002, plus strand): 5'-GCACGTGTACCAGCGCATGATCGACAAGGCGGAGGACGTGTGCCTGTTCGTAGCGCAGCC[C>G]GGGGAACTGGTGGGGCAGCTGGCGGTGCTCACTGGCGAACCTCTCATCTTCACACTGCGA-3'
Protein context (NP_001159586.1, residues 558-578): AEDVCLFVAQ[Pro568=]GELVGQLAVL